The following is an entry in ClinVar:

ClinVar aggregate classification (germline): Uncertain significance (1 of 4 stars; one submission).

Submission:

CeGaT Center for Human Genetics Tuebingen
Classification: Uncertain significance. Last evaluated: 2025-09-01. Review status: criteria provided, single submitter. Criteria: CeGaT Center For Human Genetics Tuebingen Variant Classification Criteria Version 2. Collection method: clinical testing. Allele origin: germline. Affected: yes. Observed: 1 variant allele.
Comment: ASH1L: PM2, PP3

NM_018489.3(ASH1L):c.5536G>A (p.Val1846Met)

Gene: ASH1L (ASH1 like histone lysine methyltransferase; minus strand). Cytogenetic location: 1q22.
Variant type: single nucleotide variant.
Coding change: c.5536G>A on transcript NM_018489.3 (MANE Select); coding-DNA position 5536, G replaced by A.
Protein change: p.Val1846Met; replaces valine 1846 with methionine.
Molecular consequence: missense variant.
Genome position (GRCh38, 1-based): chr1:155,438,619, C>T on the plus strand (G>A on the coding strand, the complement: ASH1L is on the minus strand). VCF-style: chr1-155438619-C-T. GRCh37 (hg19) VCF-style: chr1-155408410-C-T.
Other names: c.5536G>A, p.Val1846Met (NM_001366177.2); short protein forms V1846M.
Identifiers: ClinVar variation 4281554 (VCV004281554.7).
Genomic context (GRCh38, chr1:155,438,619, plus strand): 5'-CTTGCATTGATACGACAGCCTGAAGGGGACATTTCCGAGGTCGACCTGGCCTACGTTTCA[C>T]AAAGTTATTCCCTGTCCTGGCCTGCCTTTGAAGTTTTTTGGCTTTTAAGATTTTATTGAC-3'
Protein context (NP_060959.2, residues 1836-1856): QRQARTGNNF[Val1846Met]KRRPGRPRKC